The following is an entry in ClinVar:

NM_000540.3(RYR1):c.1372T>C (p.Leu458=)

Gene: RYR1 (ryanodine receptor 1; plus strand). Cytogenetic location: 19q13.2.
Variant type: single nucleotide variant.
Coding change: c.1372T>C on transcript NM_000540.3 (MANE Select); coding-DNA position 1372, T replaced by C.
Protein change: p.Leu458=; no amino-acid change (leucine 458 retained).
Molecular consequence: synonymous variant.
Genome position (GRCh38, 1-based): chr19:38,452,946, T>C. VCF-style: chr19-38452946-T-C. GRCh37 (hg19) VCF-style: chr19-38943586-T-C.
Other names: c.1372T>C, p.Leu458= (NM_001042723.2).
Identifiers: ClinVar variation 793161 (VCV000793161.12), dbSNP rs369932139, ClinGen allele CA060435.

ClinVar aggregate classification (germline): Likely benign. Review status: criteria provided, multiple submitters, no conflicts (2 of 4 stars). 3 submissions from 3 submitters: Likely benign (3). Last evaluated 2025-07-19.

Conditions:
RYR1-related disorder. Also called: RYR1-related disorders; RYR1-related condition. Identifiers: MedGen CN239331.
Malignant hyperthermia, susceptibility to, 1 (MHS1). Also called: Anesthesia related hyperthermia; Malignant hyperpyrexia; Fulminating hyperpyrexia; Pharmacogenic myopathy; Malignant hyperthermia suceptibility 1; RYR1-Related Malignant Hyperthermia Susceptibility. Identifiers: Orphanet 423, MedGen C2930980, MONDO:0007783, OMIM 145600.

Allele frequency attached by ClinVar (database versions not stated): ExAC 0.00002.
gnomAD v4.1: 5 of 1,613,996 alleles (0.00031%); highest among the groups gnomAD compares: East Asian, 0.0022%; no homozygotes.

Submissions (3):

Labcorp Genetics (formerly Invitae), Labcorp
Classification: Likely benign for RYR1-related disorder. Last evaluated: 2025-07-19. Review status: criteria provided, single submitter. Criteria: Invitae Variant Classification Sherloc (09022015). Collection method: clinical testing. Allele origin: germline.

All of Us Research Program, National Institutes of Health
Classification: Likely benign for Malignant hyperthermia, susceptibility to, 1. Last evaluated: 2023-06-26. Review status: criteria provided, single submitter. Criteria: ACMG Guidelines, 2015. Collection method: clinical testing. Allele origin: germline. Inheritance: Autosomal dominant inheritance. Observed: 1 variant allele, 1 heterozygote.
Comment: This study involves interpretation of variants in research participants for the purpose of population health screening. Participant phenotype was not available at the time of variant classification. Additional details can be found in publication PMID: 35346344, PMCID: PMC8962531

Color Diagnostics, LLC DBA Color Health
Classification: Likely benign for Malignant hyperthermia, susceptibility to, 1. Last evaluated: 2023-06-07. Review status: criteria provided, single submitter. Criteria: ACMG Guidelines, 2015. Collection method: clinical testing. Allele origin: germline.